The following is an entry in ClinVar:

NM_001429.4(EP300):c.6646G>A (p.Gly2216Arg)

Gene: EP300 (EP300 lysine acetyltransferase; plus strand). Cytogenetic location: 22q13.2.
Variant type: single nucleotide variant.
Coding change: c.6646G>A on transcript NM_001429.4 (MANE Select); coding-DNA position 6646, G replaced by A.
Protein change: p.Gly2216Arg; replaces glycine 2216 with arginine.
Molecular consequence: missense variant.
Genome position (GRCh38, 1-based): chr22:41,178,357, G>A. VCF-style: chr22-41178357-G-A. GRCh37 (hg19) VCF-style: chr22-41574361-G-A.
Other names: c.6568G>A, p.Gly2190Arg (NM_001362843.2); short protein forms G2190R, G2216R.
Identifiers: ClinVar variation 2632155 (VCV002632155.6), dbSNP rs1333876461, ClinGen allele CA411682437.

ClinVar aggregate classification (germline): Conflicting classifications of pathogenicity. Review status: criteria provided, conflicting classifications (1 of 4 stars). 3 submissions from 3 submitters: Uncertain significance (1); Likely benign (1). 1 of the submissions does not count toward it. Last evaluated 2025-10-10.

Conditions:
EP300-related disorder. Also called: EP300-related condition; EP300-related disorders.
Inborn genetic diseases. Identifiers: MedGen C0950123, MeSH D030342.
Rubinstein-Taybi syndrome due to EP300 haploinsufficiency. Also called: EP300-Related Rubinstein-Taybi Syndrome; RUBINSTEIN-TAYBI SYNDROME 2. Identifiers: Orphanet 353284, Orphanet 783, MedGen C3150941, MONDO:0013364, OMIM 613684.

Allele frequency attached by ClinVar (database versions not stated): TOPMed below 0.00001; gnomAD exomes 0.00001.
gnomAD v4.1: 3 of 1,614,160 alleles (0.00019%); highest among the groups gnomAD compares: Admixed American, 0.0033%; no homozygotes.

Submissions (3):

Labcorp Genetics (formerly Invitae), Labcorp
Classification: Likely benign for Rubinstein-Taybi syndrome due to EP300 haploinsufficiency. Last evaluated: 2025-10-10. Review status: criteria provided, single submitter. Criteria: Invitae Variant Classification Sherloc (09022015). Collection method: clinical testing. Allele origin: germline.

Ambry Genetics
Classification: Uncertain significance for Inborn genetic diseases. Last evaluated: 2024-10-12. Review status: criteria provided, single submitter. Criteria: Ambry Variant Classification Scheme 2023. Collection method: clinical testing. Allele origin: germline.

PreventionGenetics, part of Exact Sciences
Classification: Uncertain significance for EP300-related condition. Last evaluated: 2023-12-05. Review status: no assertion criteria provided. Collection method: clinical testing. Allele origin: germline. Not counted in ClinVar's aggregate classification.
Comment: The EP300 c.6646G>A variant is predicted to result in the amino acid substitution p.Gly2216Arg. To our knowledge, this variant has not been reported in the literature. This variant is reported in 0.0029% of alleles in individuals of Latino descent in gnomAD. At this time, the clinical significance of this variant is uncertain due to the absence of conclusive functional and genetic evidence.